The following is an entry in ClinVar:

ClinVar aggregate classification (germline): Uncertain significance (1 of 4 stars; one submission).

Submission:

GeneDx
Classification: Uncertain significance. Last evaluated: 2024-11-14. Review status: criteria provided, single submitter. Criteria: GeneDx Variant Classification Process June 2021. Collection method: clinical testing. Allele origin: germline. Affected: yes.
Comment: Not observed at significant frequency in large population cohorts (gnomAD); In silico analysis indicates that this missense variant does not alter protein structure/function; Has not been previously published as pathogenic or benign to our knowledge

NM_000489.6(ATRX):c.1524C>G (p.Asn508Lys)

Gene: ATRX (ATRX chromatin remodeler; minus strand). Cytogenetic location: Xq21.1.
Variant type: single nucleotide variant.
Coding change: c.1524C>G on transcript NM_000489.6 (MANE Select); coding-DNA position 1524, C replaced by G.
Protein change: p.Asn508Lys; replaces asparagine 508 with lysine.
Molecular consequence: missense variant.
Genome position (GRCh38, 1-based): chrX:77,683,732, G>C on the plus strand (C>G on the coding strand, the complement: ATRX is on the minus strand). VCF-style: chrX-77683732-G-C. GRCh37 (hg19) VCF-style: chrX-76939224-G-C.
Other names: c.1410C>G, p.Asn470Lys (NM_138270.5); short protein forms N470K, N508K.
Identifiers: ClinVar variation 3899645 (VCV003899645.1).